The following is an entry in ClinVar:

NM_001367624.2(ZNF469):c.577T>A (p.Ser193Thr)

Gene: ZNF469 (zinc finger protein 469; plus strand). Cytogenetic location: 16q24.2.
Variant type: single nucleotide variant.
Coding change: c.577T>A on transcript NM_001367624.2 (MANE Select); coding-DNA position 577, T replaced by A.
Protein change: p.Ser193Thr; replaces serine 193 with threonine.
Molecular consequence: missense variant.
Genome position (GRCh38, 1-based): chr16:88,428,047, T>A. VCF-style: chr16-88428047-T-A. GRCh37 (hg19) VCF-style: chr16-88494455-T-A.
Other names: NM_001127464.1:c.577T>A; short protein forms S193T.
Identifiers: ClinVar variation 2449483 (VCV002449483.2), dbSNP rs2507571624, ClinGen allele CA397060856.

ClinVar aggregate classification (germline): Uncertain significance (1 of 4 stars; one submission).

Conditions:
Cardiovascular phenotype. Identifiers: MedGen CN230736.

Submission:

Ambry Genetics
Classification: Uncertain significance for Cardiovascular phenotype. Last evaluated: 2023-01-19. Review status: criteria provided, single submitter. Criteria: Ambry Variant Classification Scheme 2023. Collection method: clinical testing. Allele origin: germline.
Comment: The p.S193T variant (also known as c.577T>A), located in coding exon 1 of the ZNF469 gene, results from a T to A substitution at nucleotide position 577. The serine at codon 193 is replaced by threonine, an amino acid with similar properties. This amino acid position is conserved. In addition, this alteration is predicted to be tolerated by in silico analysis. Since supporting evidence is limited at this time, the clinical significance of this alteration remains unclear.